The following is an entry in ClinVar:

ClinVar aggregate classification (germline): Pathogenic/Likely pathogenic. Review status: criteria provided, multiple submitters, no conflicts (2 of 4 stars). 5 submissions from 5 submitters: Pathogenic (1); Likely pathogenic (3). 1 of the submissions does not count toward it. Last evaluated 2026-01-14.

Conditions:
Glycine encephalopathy 1 (GCE1). Identifiers: MedGen CN376801, MONDO:0958179, OMIM 605899.
Glycine encephalopathy. Also called: Non-ketotic hyperglycinemia; Nonketotic hyperglycinemia. Identifiers: Orphanet 407, MedGen C0751748, MONDO:0011612, HP:0008288.

Allele frequency attached by ClinVar (database versions not stated): gnomAD exomes below 0.00001; TOPMed below 0.00001; gnomAD 0.00001.
gnomAD v4.1: 3 of 1,613,412 alleles (0.00019%); highest among the groups gnomAD compares: Admixed American, 0.0017%; no homozygotes.

Submissions (5):

Women's Health and Genetics/Laboratory Corporation of America, LabCorp
Classification: Likely pathogenic for Glycine encephalopathy. Last evaluated: 2026-01-14. Review status: criteria provided, single submitter. Criteria: LabCorp Variant Classification Summary - May 2015. Collection method: clinical testing. Allele origin: germline.
Comment: Variant summary: GLDC c.799C>G (p.Pro267Ala) results in a non-conservative amino acid change in the encoded protein sequence. Algorithms developed to predict the effect of missense changes on protein structure and function all suggest that this variant is likely to be disruptive. The variant was absent in 251470 control chromosomes (gnomAD). c.799C>G has been observed in individuals affected with Glycine Encephalopathy (Non-Ketotic Hyperglycinemia) (Coughlin_2017, Bravo-Alonso_2017, Kingsmore_2024). These data indicate that the variant may be associated with disease. At least one publication reports experimental evidence evaluating an impact on protein function and this variant affects GLDC protein function (Bravo-Alonso_2017). The following publications have been ascertained in the context of this evaluation (PMID: 28244183, 27362913, 39642868). ClinVar contains an entry for this variant (Variation ID: 558413). Based on the evidence outlined above, the variant was classified as likely pathogenic.

Labcorp Genetics (formerly Invitae), Labcorp
Classification: Pathogenic for Glycine encephalopathy. Last evaluated: 2025-12-30. Review status: criteria provided, single submitter. Criteria: Invitae Variant Classification Sherloc (09022015). Collection method: clinical testing. Allele origin: germline.
Comment: This sequence change replaces proline, which is neutral and non-polar, with alanine, which is neutral and non-polar, at codon 267 of the GLDC protein (p.Pro267Ala). This variant is not present in population databases (gnomAD no frequency). This missense change has been observed in individual(s) with GLCD-related conditions (PMID: 27362913, 28244183). In at least one individual the data is consistent with being in trans (on the opposite chromosome) from a pathogenic variant. ClinVar contains an entry for this variant (Variation ID: 558413). Invitae Evidence Modeling of protein sequence and biophysical properties (such as structural, functional, and spatial information, amino acid conservation, physicochemical variation, residue mobility, and thermodynamic stability) indicates that this missense variant is expected to disrupt GLDC protein function with a positive predictive value of 95%. Experimental studies have shown that this missense change affects GLDC function (PMID: 28244183). This variant disrupts the p.Pro267 amino acid residue in GLDC. Other variant(s) that disrupt this residue have been determined to be pathogenic (PMID: 26179960, 28244183; internal data). This suggests that this residue is clinically significant, and that variants that disrupt this residue are likely to be disease-causing. For these reasons, this variant has been classified as Pathogenic.

Natera, Inc.
Classification: Likely pathogenic for Non-ketotic hyperglycinemia. Last evaluated: 2025-02-07. Review status: criteria provided, single submitter. Criteria: Natera Variant Classification Schema (03/2026). Collection method: clinical testing. Allele origin: germline.
Comment: The c.799C>G variant in GLDC is a missense variant predicted to cause substitution of proline to alanine at amino acid 267. This variant is rare in the general population with a frequency below the threshold expected for the associated phenotype(s). This variant has been observed in one or more individuals affected with the associated recessive disease, as either homozygous or compound heterozygous with a second variant (PMID: 28244183). This variant has been found together with another disease-causing variant in the same copy of the gene (PMID: 28244183). Functional studies show that this variant may disrupt protein function (PMID: 28244183). Computational prediction algorithms indicate this variant is likely to affect gene or protein function. Given the available evidence, this variant is classified as Likely Pathogenic.

Mendelics
Classification: Likely pathogenic for Glycine encephalopathy 1. Last evaluated: 2024-08-29. Review status: criteria provided, single submitter. Criteria: Mendelics Assertion Criteria 2017. Collection method: clinical testing. Allele origin: unknown.
Comment: Appeared in compund heterozygosis with a partial gene deletion (exons 1 tpo 15).

Counsyl
Classification: Uncertain significance for Glycine encephalopathy 1. Last evaluated: 2018-05-21. Review status: no assertion criteria provided. Collection method: clinical testing. Allele origin: unknown. Not counted in ClinVar's aggregate classification.

Literature cited by the submitters: PubMed 27362913 (cited by 3 submitters); PubMed 28244183 (cited by 4 submitters); PubMed 39642868 (cited by Women's Health and Genetics/Laboratory Corporation of America, LabCorp); PubMed 26179960 (cited by Labcorp Genetics (formerly Invitae), Labcorp).

NM_000170.3(GLDC):c.799C>G (p.Pro267Ala)

Gene: GLDC (glycine decarboxylase; minus strand). Cytogenetic location: 9p24.1.
Variant type: single nucleotide variant.
Coding change: c.799C>G on transcript NM_000170.3 (MANE Select); coding-DNA position 799, C replaced by G.
Protein change: p.Pro267Ala; replaces proline 267 with alanine.
Molecular consequence: missense variant.
Genome position (GRCh38, 1-based): chr9:6,605,193, G>C on the plus strand (C>G on the coding strand, the complement: GLDC is on the minus strand). VCF-style: chr9-6605193-G-C. GRCh37 (hg19) VCF-style: chr9-6605193-G-C.
Other names: short protein forms P267A.
Identifiers: ClinVar variation 558413 (VCV000558413.14), dbSNP rs1554648117, ClinGen allele CA372896425.